The following is an entry in ClinVar:

ClinVar aggregate classification (germline): Uncertain significance (1 of 4 stars; one submission).

Conditions:
EP400-related disorder. Also called: EP400-related condition.

Submission:

PreventionGenetics, part of Exact Sciences
Classification: Uncertain significance for EP400-related condition. Last evaluated: 2023-06-06. Review status: criteria provided, single submitter. Criteria: ACMG Guidelines, 2015. Collection method: clinical testing. Allele origin: germline.
Comment: The EP400 c.1718C>T variant is predicted to result in the amino acid substitution p.Ser573Phe. To our knowledge, this variant has not been reported in the literature or in a large population database, indicating this variant is rare. At this time, the clinical significance of this variant is uncertain due to the absence of conclusive functional and genetic evidence.

NM_015409.5(EP400):c.1718C>T (p.Ser573Phe)

Gene: EP400 (E1A binding protein p400; plus strand). Cytogenetic location: 12q24.33.
Variant type: single nucleotide variant.
Coding change: c.1718C>T on transcript NM_015409.5 (MANE Select); coding-DNA position 1718, C replaced by T.
Protein change: p.Ser573Phe; replaces serine 573 with phenylalanine.
Molecular consequence: missense variant.
Genome position (GRCh38, 1-based): chr12:131,982,267, C>T. VCF-style: chr12-131982267-C-T. GRCh37 (hg19) VCF-style: chr12-132466812-C-T.
Other names: short protein forms S573F.
Identifiers: ClinVar variation 2632337 (VCV002632337.1), dbSNP rs996419942, ClinGen allele CA387320197.